The following is an entry in ClinVar:

NM_144997.7(FLCN):c.1079C>T (p.Ser360Phe)

Gene: FLCN (folliculin; minus strand). Cytogenetic location: 17p11.2.
Variant type: single nucleotide variant.
Coding change: c.1079C>T on transcript NM_144997.7 (MANE Select); coding-DNA position 1079, C replaced by T.
Protein change: p.Ser360Phe; replaces serine 360 with phenylalanine.
Molecular consequence: missense variant.
Genome position (GRCh38, 1-based): chr17:17,217,166, G>A on the plus strand (C>T on the coding strand, the complement: FLCN is on the minus strand). VCF-style: chr17-17217166-G-A. GRCh37 (hg19) VCF-style: chr17-17120480-G-A.
Other names: c.1133C>T, p.Ser378Phe (NM_001353229.2); c.1079C>T, p.Ser360Phe (NM_001353230.2, NM_001353231.2); short protein forms S360F, S378F.
Identifiers: ClinVar variation 2624776 (VCV002624776.2), dbSNP rs2544174025, ClinGen allele CA398532376.

ClinVar aggregate classification (germline): Uncertain significance (1 of 4 stars; one submission).

Conditions:
Hereditary cancer-predisposing syndrome. Also called: Tumor predisposition; Hereditary Cancer Syndrome; Hereditary neoplastic syndrome; Neoplastic Syndromes, Hereditary. Identifiers: Orphanet 140162, MedGen C0027672, MeSH D009386, MONDO:0015356.

Submission:

Ambry Genetics
Classification: Uncertain significance for Hereditary cancer-predisposing syndrome. Last evaluated: 2023-07-15. Review status: criteria provided, single submitter. Criteria: Ambry Variant Classification Scheme 2023. Collection method: clinical testing. Allele origin: germline.
Comment: The p.S360F variant (also known as c.1079C>T), located in coding exon 7 of the FLCN gene, results from a C to T substitution at nucleotide position 1079. The serine at codon 360 is replaced by phenylalanine, an amino acid with highly dissimilar properties. This amino acid position is conserved. In addition, the in silico prediction for this alteration is inconclusive. Since supporting evidence is limited at this time, the clinical significance of this alteration remains unclear.